The following is an entry in ClinVar:

ClinVar aggregate classification (germline): Uncertain significance (1 of 4 stars; one submission).

Conditions:
Myopathy, tubular aggregate, 2 (TAM2). Identifiers: MedGen C4014557, MONDO:0014383, OMIM 615883.
Combined immunodeficiency due to ORAI1 deficiency. Also called: IMMUNODEFICIENCY 9. Identifiers: Orphanet 169090, Orphanet 317428, MedGen C2748568, MONDO:0013007, OMIM 612782.

Submission:

Labcorp Genetics (formerly Invitae), Labcorp
Classification: Uncertain significance for Myopathy, tubular aggregate, 2; Combined immunodeficiency due to ORAI1 deficiency. Last evaluated: 2025-06-15. Review status: criteria provided, single submitter. Criteria: Invitae Variant Classification Sherloc (09022015). Collection method: clinical testing. Allele origin: germline.
Comment: This sequence change replaces glutamine, which is neutral and polar, with histidine, which is basic and polar, at codon 58 of the ORAI1 protein (p.Gln58His). This variant is present in population databases (no rsID available, gnomAD 0.0009%). This variant has not been reported in the literature in individuals affected with ORAI1-related conditions. ClinVar contains an entry for this variant (Variation ID: 3750422). Experimental studies and prediction algorithms are not available or were not evaluated, and the functional significance of this variant is currently unknown. In summary, the available evidence is currently insufficient to determine the role of this variant in disease. Therefore, it has been classified as a Variant of Uncertain Significance.

NC_000012.12:g.121626921G>C

Genes: ORAI1 (ORAI calcium release-activated calcium modulator 1; plus strand), LOC130008987 (ATAC-STARR-seq lymphoblastoid silent region 4981; plus strand). Cytogenetic location: 12q24.31.
Variant type: single nucleotide variant.
Molecular consequence: non-coding transcript variant (on NR_186857.1).
Genome position: GRCh38 VCF-style: chr12-121626921-G-C. GRCh37 (hg19) VCF-style: chr12-122064827-G-C.
Identifiers: ClinVar variation 3750422 (VCV003750422.2).